The following is an entry in ClinVar:

NM_001267550.2(TTN):c.44792C>G (p.Thr14931Ser)

Gene: TTN (titin; minus strand). Cytogenetic location: 2q31.2.
Variant type: single nucleotide variant.
Coding change: c.44792C>G on transcript NM_001267550.2 (MANE Select); coding-DNA position 44792, C replaced by G.
Protein change: p.Thr14931Ser; replaces threonine 14931 with serine.
Molecular consequence: missense variant.
Genome position (GRCh38, 1-based): chr2:178,624,488, G>C on the plus strand (C>G on the coding strand, the complement: TTN is on the minus strand). VCF-style: chr2-178624488-G-C. GRCh37 (hg19) VCF-style: chr2-179489215-G-C.
Other names: c.39869C>G, p.Thr13290Ser (NM_001256850.1); c.17597C>G, p.Thr5866Ser (NM_003319.4); c.37088C>G, p.Thr12363Ser (NM_133378.4); c.17972C>G, p.Thr5991Ser (NM_133432.3); c.18173C>G, p.Thr6058Ser (NM_133437.4); short protein forms T5991S, T6058S, T13290S, T5866S, T12363S, T14931S.
Identifiers: ClinVar variation 1779525 (VCV001779525.2), dbSNP rs1292868903, ClinGen allele CA349640208.

ClinVar aggregate classification (germline): Uncertain significance (1 of 4 stars; one submission).

Conditions:
Cardiovascular phenotype. Identifiers: MedGen CN230736.

gnomAD v4.1: 4 of 1,612,564 alleles (0.00025%); highest among the groups gnomAD compares: Non-Finnish European, 0.00034%; no homozygotes.

Submission:

Ambry Genetics
Classification: Uncertain significance for Cardiovascular phenotype. Last evaluated: 2020-08-24. Review status: criteria provided, single submitter. Criteria: Ambry Variant Classification Scheme 2023. Collection method: clinical testing. Allele origin: germline.
Comment: The p.T5866S variant (also known as c.17597C>G), located in coding exon 69 of the TTN gene, results from a C to G substitution at nucleotide position 17597. The threonine at codon 5866 is replaced by serine, an amino acid with similar properties. This amino acid position is highly conserved in available vertebrate species. In addition, this alteration is predicted to be tolerated by in silico analysis. Since supporting evidence is limited at this time, the clinical significance of this alteration remains unclear.